The following is an entry in ClinVar:

ClinVar aggregate classification (germline): Pathogenic (1 of 4 stars; one submission).

Conditions:
Leber congenital amaurosis 1 (LCA1). Also called: RETINAL BLINDNESS, CONGENITAL; AMAUROSIS CONGENITA OF LEBER I; Congenital absence of the rods and cones; Leber's congenital tapetoretinal degeneration; Leber's congenital tapetoretinal dysplasia. Identifiers: Orphanet 65, MedGen C2931258, MONDO:0008764, OMIM 204000.
Cone-rod dystrophy 6 (CORD6). Also called: RETINAL CONE DYSTROPHY 2; Cone dystrophy progressive. Identifiers: Orphanet 1872, MedGen C1866293, MONDO:0011143, OMIM 601777.

Submission:

Labcorp Genetics (formerly Invitae), Labcorp
Classification: Pathogenic for Leber congenital amaurosis 1; Cone-rod dystrophy 6. Last evaluated: 2019-03-18. Review status: criteria provided, single submitter. Criteria: Invitae Variant Classification Sherloc (09022015). Collection method: clinical testing. Allele origin: germline.
Comment: For these reasons, this variant has been classified as Pathogenic. Loss-of-function variants in GUCY2D are known to be pathogenic (PMID: 10951519, 11328726). This variant has not been reported in the literature in individuals with GUCY2D-related conditions. This variant is not present in population databases (ExAC no frequency). This sequence change creates a premature translational stop signal (p.Gln525*) in the GUCY2D gene. It is expected to result in an absent or disrupted protein product.

Literature cited by the submitters: PubMed 10951519; PubMed 11328726.

NM_000180.4(GUCY2D):c.1573C>T (p.Gln525Ter)

Gene: GUCY2D (guanylate cyclase 2D, retinal; plus strand). Cytogenetic location: 17p13.1.
Variant type: single nucleotide variant.
Coding change: c.1573C>T on transcript NM_000180.4 (MANE Select); coding-DNA position 1573, C replaced by T.
Protein change: p.Gln525Ter; replaces glutamine 525 with a stop codon.
Molecular consequence: nonsense.
Genome position (GRCh38, 1-based): chr17:8,007,937, C>T. VCF-style: chr17-8007937-C-T. GRCh37 (hg19) VCF-style: chr17-7911255-C-T.
Other names: short protein forms Q525*.
Identifiers: ClinVar variation 861650 (VCV000861650.7), dbSNP rs1168076308, ClinGen allele CA397949549.